The following is an entry in ClinVar:

NM_001303052.2(MYT1L):c.3080+1356A>G

Gene: MYT1L (myelin transcription factor 1 like; minus strand). Cytogenetic location: 2p25.3.
Variant type: single nucleotide variant.
Coding change: c.3080+1356A>G on transcript NM_001303052.2 (MANE Select); 1356 bases into the intron after coding-DNA position 3080, A replaced by G.
Molecular consequence: intron variant.
Genome position (GRCh38, 1-based): chr2:1,837,793, T>C on the plus strand (A>G on the coding strand, the complement: MYT1L is on the minus strand). VCF-style: chr2-1837793-T-C. GRCh37 (hg19) VCF-style: chr2-1841565-T-C.
Other names: c.3074+1356A>G (NM_015025.4, NM_001329847.2, NM_001329848.1 and 3 more transcripts); c.3080+1356A>G (NM_001329844.2, NM_001329845.1, NM_001329851.3).
Identifiers: ClinVar variation 2650621 (VCV002650621.24), dbSNP rs2550325556, ClinGen allele CA2695200417.

ClinVar aggregate classification (germline): Uncertain significance (1 of 4 stars; one submission).

Submission:

CeGaT Center for Human Genetics Tuebingen
Classification: Uncertain significance. Last evaluated: 2022-06-01. Review status: criteria provided, single submitter. Criteria: CeGaT Center For Human Genetics Tuebingen Variant Classification Criteria Version 2. Collection method: clinical testing. Allele origin: germline. Affected: yes. Observed: 1 variant allele.
Comment: MYT1L: PM2, PP2